The following is an entry in ClinVar:

ClinVar aggregate classification (germline): Conflicting classifications of pathogenicity. Review status: criteria provided, conflicting classifications (1 of 4 stars). 3 submissions from 3 submitters: Uncertain significance (1); Likely benign (2). Last evaluated 2026-01-07.

Conditions:
Hereditary cancer-predisposing syndrome. Also called: Neoplastic Syndromes, Hereditary; Tumor predisposition; Hereditary Cancer Syndrome; Hereditary neoplastic syndrome. Identifiers: Orphanet 140162, MedGen C0027672, MeSH D009386, MONDO:0015356.

Allele frequency attached by ClinVar (database versions not stated): gnomAD 0.00003; gnomAD exomes 0.00001; TOPMed 0.00001.
gnomAD v4.1: 20 of 1,612,560 alleles (0.0012%); highest among the groups gnomAD compares: Non-Finnish European, 0.0015%; no homozygotes.

Submissions (3):

Labcorp Genetics (formerly Invitae), Labcorp
Classification: Likely benign. Last evaluated: 2026-01-07. Review status: criteria provided, single submitter. Criteria: Invitae Variant Classification Sherloc (09022015). Collection method: clinical testing. Allele origin: germline.

Ambry Genetics
Classification: Likely benign for Hereditary cancer-predisposing syndrome. Last evaluated: 2018-08-31. Review status: criteria provided, single submitter. Criteria: Ambry Variant Classification Scheme 2023. Collection method: clinical testing. Allele origin: germline.

GeneDx
Classification: Uncertain significance. Last evaluated: 2017-01-09. Review status: criteria provided, single submitter. Criteria: GeneDx Variant Classification (06012015). Collection method: clinical testing. Allele origin: germline. Affected: yes.
Comment: This variant is denoted POLE c.2016G>A at the DNA level. This variant is silent at the coding level, preserving an Arginine at codon 672. It is not predicted to cause abnormal splicing. This variant has not, to our knowledge, been published in the literature as pathogenic or benign. POLE c.2016G>A was not observed in approximately 6,500 individuals of European and African American ancestry in the NHLBI Exome Sequencing Project, suggesting it is not a common benign variant in these populations. The nucleotide which is altered, a guanine (G) at base 2016, is conserved in mammals. Based on currently available evidence, it is unclear whether POLE c.2016G>A is a pathogenic or benign variant. We consider it to be a variant of uncertain significance.

NM_006231.4(POLE):c.2016G>A (p.Arg672=)

Gene: POLE (DNA polymerase epsilon, catalytic subunit; minus strand). Cytogenetic location: 12q24.33.
Variant type: single nucleotide variant.
Coding change: c.2016G>A on transcript NM_006231.4 (MANE Select); coding-DNA position 2016, G replaced by A.
Protein change: p.Arg672=; no amino-acid change (arginine 672 retained).
Molecular consequence: synonymous variant.
Genome position (GRCh38, 1-based): chr12:132,668,645, C>T on the plus strand (G>A on the coding strand, the complement: POLE is on the minus strand). VCF-style: chr12-132668645-C-T. GRCh37 (hg19) VCF-style: chr12-133245231-C-T.
Identifiers: ClinVar variation 413537 (VCV000413537.15), dbSNP rs991583405, ClinGen allele CA16613713.